The following is an entry in ClinVar:

ClinVar aggregate classification (germline): Likely benign (1 of 4 stars; one submission).

Conditions:
KMT2D-related disorder. Also called: KMT2D-Related Disorders.

gnomAD v4.1: 11 of 1,551,720 alleles (0.00071%); highest among the groups gnomAD compares: East Asian, 0.013%; no homozygotes.

Submission:

PreventionGenetics, part of Exact Sciences
Classification: Likely benign for KMT2D-related condition. Last evaluated: 2026-09-26. Review status: criteria provided, single submitter. Criteria: ACMG Guidelines, 2015. Collection method: clinical testing. Allele origin: germline.
Comment: This variant is classified as likely benign based on ACMG/AMP sequence variant interpretation guidelines (Richards et al. 2015 PMID: 25741868, with internal and published modifications).

NM_003482.4(KMT2D):c.14721G>A (p.Ser4907=)

Gene: KMT2D (lysine methyltransferase 2D; minus strand). Cytogenetic location: 12q13.12.
Variant type: single nucleotide variant.
Coding change: c.14721G>A on transcript NM_003482.4 (MANE Select); coding-DNA position 14721, G replaced by A.
Protein change: p.Ser4907=; no amino-acid change (serine 4907 retained).
Molecular consequence: synonymous variant.
Genome position (GRCh38, 1-based): chr12:49,027,245, C>T on the plus strand (G>A on the coding strand, the complement: KMT2D is on the minus strand). VCF-style: chr12-49027245-C-T. GRCh37 (hg19) VCF-style: chr12-49421028-C-T.
Identifiers: ClinVar variation 4989170 (VCV004989170.1).
Genomic context (GRCh38, chr12:49,027,245, plus strand): 5'-ACTGGCAGGAGAAGGTGCCAAGGGGGAAGGGGGCGGGGAGGGTTCTTCAGGAGGTGGGGC[C>T]GAGAGCTGTCGCACATCCAGATTGGAGACATTGTAGGTATAGCTGTGCTGAGTGGGTGGC-3'
Protein context (NP_003473.3, residues 4897-4917): NVSNLDVRQL[Ser4907=]APPPEEPSPP